The following is an entry in ClinVar:

NM_007198.4(PLPBP):c.145A>G (p.Lys49Glu)

Gene: PLPBP (pyridoxal phosphate binding protein; plus strand). Cytogenetic location: 8p11.23.
Variant type: single nucleotide variant.
Coding change: c.145A>G on transcript NM_007198.4 (MANE Select); coding-DNA position 145, A replaced by G.
Protein change: p.Lys49Glu; replaces lysine 49 with glutamic acid.
Molecular consequence: missense variant. On other transcripts: 5 prime UTR variant (1).
Genome position (GRCh38, 1-based): chr8:37,765,571, A>G. VCF-style: chr8-37765571-A-G. GRCh37 (hg19) VCF-style: chr8-37623089-A-G.
Other names: c.145A>G, p.Lys49Glu (NM_001349346.2, NM_001349347.2); c.-12A>G (NM_001349348.2); c.250A>G, p.Lys84Glu (NM_001349349.1); c.145A>G (NM_007198.3); short protein forms K84E, K49E.
Identifiers: ClinVar variation 2190980 (VCV002190980.7), dbSNP rs369269403, ClinGen allele CA4711141.
Genomic context (GRCh38, chr8:37,765,571, plus strand): 5'-TTTCCCTCTTGGCAGGATCTCCCAGCCATCCAGCCCCGGCTAGTGGCGGTCAGCAAAACC[A>G]AACCTGCAGACATGGTGATCGAGGCCTATGGACATGGGCAGCGCACTTTTGGCGAGAACT-3'
Protein context (NP_009129.1, residues 39-59): QPRLVAVSKT[Lys49Glu]PADMVIEAYG

ClinVar aggregate classification (germline): Uncertain significance. Review status: criteria provided, multiple submitters, no conflicts (2 of 4 stars). 4 submissions from 4 submitters: Uncertain significance (4). Last evaluated 2026-01-13.

Conditions:
Inborn genetic diseases. Identifiers: MedGen C0950123, MeSH D030342.

Allele frequency attached by ClinVar (database versions not stated): gnomAD 0.00002; gnomAD exomes 0.00004; ExAC 0.00005; ESP Exome Variant Server 0.00008.
gnomAD v4.1: 69 of 1,613,948 alleles (0.0043%); highest among the groups gnomAD compares: Non-Finnish European, 0.0053%; no homozygotes.

Submissions (4):

Labcorp Genetics (formerly Invitae), Labcorp
Classification: Uncertain significance. Last evaluated: 2026-01-13. Review status: criteria provided, single submitter. Criteria: Invitae Variant Classification Sherloc (09022015). Collection method: clinical testing. Allele origin: germline.
Comment: This sequence change replaces lysine, which is basic and polar, with glutamic acid, which is acidic and polar, at codon 49 of the PROSC protein (p.Lys49Glu). This variant is present in population databases (rs369269403, gnomAD 0.006%). This variant has not been reported in the literature in individuals affected with PROSC-related conditions. ClinVar contains an entry for this variant (Variation ID: 2190980). Invitae Evidence Modeling of protein sequence and biophysical properties (such as structural, functional, and spatial information, amino acid conservation, physicochemical variation, residue mobility, and thermodynamic stability) indicates that this missense variant is expected to disrupt PROSC protein function with a positive predictive value of 80%. In summary, the available evidence is currently insufficient to determine the role of this variant in disease. Therefore, it has been classified as a Variant of Uncertain Significance.

Ambry Genetics
Classification: Uncertain significance for Inborn genetic diseases. Last evaluated: 2025-12-11. Review status: criteria provided, single submitter. Criteria: Ambry Variant Classification Scheme 2023. Collection method: clinical testing. Allele origin: germline.

Blueprint Genetics
Classification: Uncertain significance. Last evaluated: 2024-03-26. Review status: criteria provided, single submitter. Criteria: ACMG Guidelines, 2015. Collection method: clinical testing. Allele origin: germline.

GeneDx
Classification: Uncertain significance. Last evaluated: 2022-11-28. Review status: criteria provided, single submitter. Criteria: GeneDx Variant Classification Process June 2021. Collection method: clinical testing. Allele origin: germline. Affected: yes.
Comment: In silico analysis supports that this missense variant has a deleterious effect on protein structure/function; Has not been previously published as pathogenic or benign to our knowledge